The following is an entry in ClinVar:

ClinVar aggregate classification (germline): Uncertain significance (1 of 4 stars; one submission).

Submission:

Labcorp Genetics (formerly Invitae), Labcorp
Classification: Uncertain significance. Last evaluated: 2022-09-19. Review status: criteria provided, single submitter. Criteria: Invitae Variant Classification Sherloc (09022015). Collection method: clinical testing. Allele origin: germline.
Comment: This sequence change replaces serine, which is neutral and polar, with asparagine, which is neutral and polar, at codon 2014 of the CDH23 protein (p.Ser2014Asn). This variant is not present in population databases (gnomAD no frequency). This variant has not been reported in the literature in individuals affected with CDH23-related conditions. Advanced modeling of protein sequence and biophysical properties (such as structural, functional, and spatial information, amino acid conservation, physicochemical variation, residue mobility, and thermodynamic stability) performed at Invitae indicates that this missense variant is not expected to disrupt CDH23 protein function. In summary, the available evidence is currently insufficient to determine the role of this variant in disease. Therefore, it has been classified as a Variant of Uncertain Significance.

NM_022124.6(CDH23):c.6041G>A (p.Ser2014Asn)

Gene: CDH23 (cadherin related 23; plus strand). Cytogenetic location: 10q22.1.
Variant type: single nucleotide variant.
Coding change: c.6041G>A on transcript NM_022124.6 (MANE Select); coding-DNA position 6041, G replaced by A.
Protein change: p.Ser2014Asn; replaces serine 2014 with asparagine.
Molecular consequence: missense variant.
Genome position (GRCh38, 1-based): chr10:71,790,405, G>A. VCF-style: chr10-71790405-G-A. GRCh37 (hg19) VCF-style: chr10-73550162-G-A.
Other names: short protein forms S2014N.
Identifiers: ClinVar variation 2127427 (VCV002127427.1), dbSNP rs2132948186, ClinGen allele CA377151274.
Genomic context (GRCh38, chr10:71,790,405, plus strand): 5'-TCTACGCCGTGGTGACCTACCAGCTGCTGGGTGCCCAGAGTGGCCTCTTTGACATCAACA[G>A]CAGCACCGGTGAGGCCTCTGTGCCACCCAGCACTCCCAGCCTGATTCTGGGGTGGGGATG-3'
Protein context (NP_071407.4, residues 2004-2024): GAQSGLFDIN[Ser2014Asn]STGVVTVRSG